The following is an entry in ClinVar:

ClinVar aggregate classification (germline): Benign. Review status: criteria provided, multiple submitters, no conflicts (2 of 4 stars). 2 submissions from 2 submitters: Benign (2). Last evaluated 2018-06-14.

Allele frequency attached by ClinVar (database versions not stated): 1000 Genomes Project 0.24281; 1000 Genomes Project 30x 0.25359; gnomAD 0.26139 and 0.27352; TOPMed 0.27912.
gnomAD v4.1: 157,074 of 910,408 alleles (17%); highest among the groups gnomAD compares: African/African-American, 56%; 19,484 homozygotes.

Submissions (2):

GeneDx
Classification: Benign. Last evaluated: 2018-06-14. Review status: criteria provided, single submitter. Criteria: GeneDx Variant Classification (06012015). Collection method: clinical testing. Allele origin: germline. Affected: yes.
Comment: This variant is considered likely benign or benign based on one or more of the following criteria: it is a conservative change, it occurs at a poorly conserved position in the protein, it is predicted to be benign by multiple in silico algorithms, and/or has population frequency not consistent with disease.

Breakthrough Genomics
Classification: Benign. Review status: criteria provided, single submitter. Criteria: ACMG Guidelines, 2015. Collection method: not provided. Allele origin: germline. Inheritance: Autosomal recessive inheritance. Affected: yes.

NM_025152.3(NUBPL):c.815-92G>A

Gene: NUBPL (NUBP iron-sulfur cluster assembly factor, mitochondrial; plus strand). Cytogenetic location: 14q12.
Variant type: single nucleotide variant.
Coding change: c.815-92G>A on transcript NM_025152.3 (MANE Select); 92 bases into the intron before coding-DNA position 815, G replaced by A.
Molecular consequence: intron variant.
Genome position (GRCh38, 1-based): chr14:31,850,027, G>A. VCF-style: chr14-31850027-G-A. GRCh37 (hg19) VCF-style: chr14-32319233-G-A.
Other names: c.527-92G>A (NM_001201573.2); c.266-92G>A (NM_001201574.2).
Identifiers: ClinVar variation 671668 (VCV000671668.2), dbSNP rs10132352, ClinGen allele CA259022004.